The following is an entry in ClinVar:

NM_182961.4(SYNE1):c.21351+43C>T

Gene: SYNE1 (spectrin repeat containing nuclear envelope protein 1; minus strand). Cytogenetic location: 6q25.2.
Variant type: single nucleotide variant.
Coding change: c.21351+43C>T on transcript NM_182961.4 (MANE Select); 43 bases into the intron after coding-DNA position 21351, C replaced by T.
Molecular consequence: intron variant.
Genome position (GRCh38, 1-based): chr6:152,225,678, G>A on the plus strand (C>T on the coding strand, the complement: SYNE1 is on the minus strand). VCF-style: chr6-152225678-G-A. GRCh37 (hg19) VCF-style: chr6-152546813-G-A.
Other names: c.21138+43C>T (NM_033071.5).
Identifiers: ClinVar variation 680151 (VCV000680151.2), dbSNP rs76037467, ClinGen allele CA4054182.

ClinVar aggregate classification (germline): Likely benign. Review status: criteria provided, multiple submitters, no conflicts (2 of 4 stars). 2 submissions from 2 submitters: Likely benign (2). Last evaluated 2018-06-16.

Allele frequency attached by ClinVar (database versions not stated): gnomAD exomes 0.00074 and 0.00210; ExAC 0.00275; gnomAD 0.00790 and 0.00841; TOPMed 0.00881; ESP Exome Variant Server 0.00938; 1000 Genomes Project 30x 0.01015; 1000 Genomes Project 0.01018.
gnomAD v4.1: 2,329 of 1,613,450 alleles (0.14%); highest among the groups gnomAD compares: African/African-American, 2.6%; 28 homozygotes.

Submissions (2):

GeneDx
Classification: Likely benign. Last evaluated: 2018-06-16. Review status: criteria provided, single submitter. Criteria: GeneDx Variant Classification (06012015). Collection method: clinical testing. Allele origin: germline. Affected: yes.
Comment: This variant is considered likely benign or benign based on one or more of the following criteria: it is a conservative change, it occurs at a poorly conserved position in the protein, it is predicted to be benign by multiple in silico algorithms, and/or has population frequency not consistent with disease.

Breakthrough Genomics
Classification: Likely benign. Review status: criteria provided, single submitter. Criteria: ACMG Guidelines, 2015. Collection method: not provided. Allele origin: germline. Inheritance: Autosomal recessive inheritance. Affected: yes.